The following is an entry in ClinVar:

NM_001985.3(ETFB):c.375+6T>G

Gene: ETFB (electron transfer flavoprotein subunit beta; minus strand). Cytogenetic location: 19q13.41.
Variant type: single nucleotide variant.
Coding change: c.375+6T>G on transcript NM_001985.3 (MANE Select); 6 bases into the intron after coding-DNA position 375, T replaced by G.
Molecular consequence: intron variant.
Genome position (GRCh38, 1-based): chr19:51,353,126, A>C on the plus strand (T>G on the coding strand, the complement: ETFB is on the minus strand). VCF-style: chr19-51353126-A-C. GRCh37 (hg19) VCF-style: chr19-51856380-A-C.
Other names: c.648+6T>G (NM_001014763.1).
Identifiers: ClinVar variation 2142779 (VCV002142779.2), dbSNP rs750514055, ClinGen allele CA9610788.

ClinVar aggregate classification (germline): Uncertain significance (1 of 4 stars; one submission).

Conditions:
Multiple acyl-CoA dehydrogenase deficiency (MADD). Also called: Glutaric Acidemia type 2; Glutaric acidemia type II; GA 2; ETHYLMALONIC-ADIPICACIDURIA; GA II; Glutaric aciduria, type 2. Identifiers: Orphanet 26791, MedGen C0268596, MONDO:0009282, OMIM 231680.

Allele frequency attached by ClinVar (database versions not stated): gnomAD 0.00001; ExAC 0.00002; gnomAD exomes 0.00002; TOPMed 0.00002.

Submission:

Labcorp Genetics (formerly Invitae), Labcorp
Classification: Uncertain significance for Multiple acyl-CoA dehydrogenase deficiency. Last evaluated: 2025-06-20. Review status: criteria provided, single submitter. Criteria: Invitae Variant Classification Sherloc (09022015). Collection method: clinical testing. Allele origin: germline.
Comment: This sequence change falls in intron 3 of the ETFB gene. It does not directly change the encoded amino acid sequence of the ETFB protein. It affects a nucleotide within the consensus splice site. This variant is present in population databases (rs750514055, gnomAD 0.005%). This variant has not been reported in the literature in individuals affected with ETFB-related conditions. ClinVar contains an entry for this variant (Variation ID: 2142779). Variants that disrupt the consensus splice site are a relatively common cause of aberrant splicing (PMID: 17576681, 9536098). Algorithms developed to predict the effect of sequence changes on RNA splicing suggest that this variant is not likely to affect RNA splicing. In summary, the available evidence is currently insufficient to determine the role of this variant in disease. Therefore, it has been classified as a Variant of Uncertain Significance.

Literature cited by the submitters: PubMed 17576681; PubMed 9536098.